The following is an entry in ClinVar:

NM_003803.4(MYOM1):c.60G>C (p.Lys20Asn)

Gene: MYOM1 (myomesin 1; minus strand). Cytogenetic location: 18p11.31.
Variant type: single nucleotide variant.
Coding change: c.60G>C on transcript NM_003803.4 (MANE Select); coding-DNA position 60, G replaced by C.
Protein change: p.Lys20Asn; replaces lysine 20 with asparagine.
Molecular consequence: missense variant.
Genome position (GRCh38, 1-based): chr18:3,215,164, C>G on the plus strand (G>C on the coding strand, the complement: MYOM1 is on the minus strand). VCF-style: chr18-3215164-C-G. GRCh37 (hg19) VCF-style: chr18-3215162-C-G.
Other names: c.60G>C, p.Lys20Asn (NM_019856.2); short protein forms K20N.
Identifiers: ClinVar variation 2816393 (VCV002816393.3), dbSNP rs530808406, ClinGen allele CA8875383.

ClinVar aggregate classification (germline): Uncertain significance (1 of 4 stars; one submission).

Conditions:
Hypertrophic cardiomyopathy. Also called: HYPERTROPHIC MYOCARDIOPATHY. Identifiers: Orphanet 217569, MedGen C0007194, MeSH D002312, MONDO:0005045, HP:0001639.

Allele frequency attached by ClinVar (database versions not stated): ExAC 0.00001; gnomAD 0.00001; 1000 Genomes Project 30x 0.00016; 1000 Genomes Project 0.00020.
gnomAD v4.1: 2 of 1,613,574 alleles (0.00012%); highest among the groups gnomAD compares: East Asian, 0.0045%; no homozygotes.

Submission:

Labcorp Genetics (formerly Invitae), Labcorp
Classification: Uncertain significance for Hypertrophic cardiomyopathy. Last evaluated: 2024-10-23. Review status: criteria provided, single submitter. Criteria: Invitae Variant Classification Sherloc (09022015). Collection method: clinical testing. Allele origin: germline.
Comment: This sequence change replaces lysine, which is basic and polar, with asparagine, which is neutral and polar, at codon 20 of the MYOM1 protein (p.Lys20Asn). This variant is present in population databases (rs530808406, gnomAD 0.006%). This variant has not been reported in the literature in individuals affected with MYOM1-related conditions. An algorithm developed to predict the effect of missense changes on protein structure and function (PolyPhen-2) suggests that this variant is likely to be tolerated. In summary, the available evidence is currently insufficient to determine the role of this variant in disease. Therefore, it has been classified as a Variant of Uncertain Significance.